The following is an entry in ClinVar:

NM_000059.4(BRCA2):c.1782A>G (p.Ile594Met)

Gene: BRCA2 (BRCA2 DNA repair associated; plus strand). Cytogenetic location: 13q13.1.
Variant type: single nucleotide variant.
Coding change: c.1782A>G on transcript NM_000059.4 (MANE Select); coding-DNA position 1782, A replaced by G.
Protein change: p.Ile594Met; replaces isoleucine 594 with methionine.
Molecular consequence: missense variant.
Genome position (GRCh38, 1-based): chr13:32,333,260, A>G. VCF-style: chr13-32333260-A-G. GRCh37 (hg19) VCF-style: chr13-32907397-A-G.
Other names: short protein forms I594M.
Identifiers: ClinVar variation 1047422 (VCV001047422.10), dbSNP rs2072421971, ClinGen allele CA387765703.
Genomic context (GRCh38, chr13:32,333,260, plus strand): 5'-GAAGAATGCAGGTTTAATATCCACTTTGAAAAAGAAAACAAATAAGTTTATTTATGCTAT[A>G]CATGATGAAACATCTTATAAAGGAAAAAAAATACCGAAAGACCAAAAATCAGAACTAATT-3'
Protein context (NP_000050.3, residues 584-604): KKKTNKFIYA[Ile594Met]HDETSYKGKK

ClinVar aggregate classification (germline): Conflicting classifications of pathogenicity. Review status: criteria provided, conflicting classifications (1 of 4 stars). 2 submissions from 2 submitters: Uncertain significance (1); Likely benign (1). Last evaluated 2023-03-23.

Conditions:
Hereditary cancer-predisposing syndrome. Also called: Hereditary Cancer Syndrome; Tumor predisposition; Hereditary neoplastic syndrome; Neoplastic Syndromes, Hereditary. Identifiers: Orphanet 140162, MedGen C0027672, MeSH D009386, MONDO:0015356.
Hereditary breast ovarian cancer syndrome. Also called: Hereditary breast and/or ovarian cancer syndrome; Hereditary breast and ovarian cancer syndrome; Hereditary breast and ovarian cancer syndrome (HBOC); Breast and ovarian cancer; Hereditary breast and ovarian cancer; BRCA1- and BRCA2-Associated Hereditary Breast and Ovarian Cancer. Identifiers: Orphanet 145, MedGen C0677776, MeSH D061325, MONDO:0003582. Disease mechanism: loss of function.

Submissions (2):

University of Washington Department of Laboratory Medicine, University of Washington
Classification: Likely benign for Hereditary cancer-predisposing syndrome. Last evaluated: 2023-03-23. Review status: criteria provided, single submitter. Criteria: Dines et al. (Genet Med. 2020). Collection method: curation. Allele origin: germline.
Comment: Missense variant in a coldspot region where missense variants are very unlikely to be pathogenic (PMID:31911673).

BRCA2 exon 10 coldspot. Reclassification based on statistical prior probability.

Labcorp Genetics (formerly Invitae), Labcorp
Classification: Uncertain significance for Hereditary breast ovarian cancer syndrome. Last evaluated: 2020-08-30. Review status: criteria provided, single submitter. Criteria: Invitae Variant Classification Sherloc (09022015). Collection method: clinical testing. Allele origin: germline.
Comment: This sequence change replaces isoleucine with methionine at codon 594 of the BRCA2 protein (p.Ile594Met). The isoleucine residue is weakly conserved and there is a small physicochemical difference between isoleucine and methionine. This variant is not present in population databases (ExAC no frequency). This variant has not been reported in the literature in individuals with BRCA2-related conditions. Advanced modeling of protein sequence and biophysical properties (such as structural, functional, and spatial information, amino acid conservation, physicochemical variation, residue mobility, and thermodynamic stability) performed at Invitae indicates that this missense variant is not expected to disrupt BRCA2 protein function. In summary, the available evidence is currently insufficient to determine the role of this variant in disease. Therefore, it has been classified as a Variant of Uncertain Significance.